The following is an entry in ClinVar:

ClinVar aggregate classification (germline): Benign/Likely benign. Review status: criteria provided, multiple submitters, no conflicts (2 of 4 stars). 4 submissions from 4 submitters: Benign (1); Likely benign (3). Last evaluated 2026-02-01.

Conditions:
Mendelian susceptibility to mycobacterial diseases due to complete ISG15 deficiency. Also called: Immunodeficiency 38; IMMUNODEFICIENCY 38, MYCOBACTERIOSIS, AUTOSOMAL RECESSIVE; ISG15 DEFICIENCY, AUTOSOMAL RECESSIVE; Immunodeficiency 38 with basal ganglia calcification. Identifiers: Orphanet 319563, MedGen C4015293, MONDO:0014502, OMIM 616126.

Allele frequency attached by ClinVar (database versions not stated): 1000 Genomes Project 0.00339; 1000 Genomes Project 30x 0.00344; TOPMed 0.00369; ESP Exome Variant Server 0.00515; gnomAD 0.00761 and 0.00788; ExAC 0.00831.

Submissions (4):

Labcorp Genetics (formerly Invitae), Labcorp
Classification: Benign for Mendelian susceptibility to mycobacterial diseases due to complete ISG15 deficiency. Last evaluated: 2026-02-01. Review status: criteria provided, single submitter. Criteria: Invitae Variant Classification Sherloc (09022015). Collection method: clinical testing. Allele origin: germline.

Blueprint Genetics
Classification: Likely benign. Last evaluated: 2024-11-26. Review status: criteria provided, single submitter. Criteria: ACMG Guidelines, 2015. Collection method: clinical testing. Allele origin: germline.

CeGaT Center for Human Genetics Tuebingen
Classification: Likely benign. Last evaluated: 2024-11-01. Review status: criteria provided, single submitter. Criteria: CeGaT Center For Human Genetics Tuebingen Variant Classification Criteria Version 2. Collection method: clinical testing. Allele origin: germline. Affected: yes. Observed: 2 variant alleles.
Comment: ISG15: BP4, BP7, BS2

Breakthrough Genomics
Classification: Likely benign. Review status: criteria provided, single submitter. Criteria: ACMG Guidelines, 2015. Collection method: not provided. Allele origin: germline. Inheritance: Autosomal recessive inheritance. Affected: yes.

NM_005101.4(ISG15):c.237C>T (p.Asp79=)

Gene: ISG15 (ISG15 ubiquitin like modifier; plus strand). Cytogenetic location: 1p36.33.
Variant type: single nucleotide variant.
Coding change: c.237C>T on transcript NM_005101.4 (MANE Select); coding-DNA position 237, C replaced by T.
Protein change: p.Asp79=; no amino-acid change (aspartic acid 79 retained).
Molecular consequence: synonymous variant.
Genome position (GRCh38, 1-based): chr1:1,014,217, C>T. VCF-style: chr1-1014217-C-T. GRCh37 (hg19) VCF-style: chr1-949597-C-T.
Other names: c.237C>T, p.Asp79= (LRG_1231t1).
Identifiers: ClinVar variation 475278 (VCV000475278.46), dbSNP rs61766284, ClinGen allele CA507655.